The following is an entry in ClinVar:

ClinVar aggregate classification (germline): Pathogenic (1 of 4 stars; one submission).

Submission:

Labcorp Genetics (formerly Invitae), Labcorp
Classification: Pathogenic. Last evaluated: 2023-02-16. Review status: criteria provided, single submitter. Criteria: Invitae Variant Classification Sherloc (09022015). Collection method: clinical testing. Allele origin: germline.
Comment: This sequence change replaces leucine, which is neutral and non-polar, with phenylalanine, which is neutral and non-polar, at codon 213 of the CLCN7 protein (p.Leu213Phe). This variant is not present in population databases (gnomAD no frequency). This missense change has been observed in individuals with autosomal dominant osteopetrosis (PMID: 12929941, 16120485, 26395888). It has also been observed to segregate with disease in related individuals. Advanced modeling of protein sequence and biophysical properties (such as structural, functional, and spatial information, amino acid conservation, physicochemical variation, residue mobility, and thermodynamic stability) performed at Invitae indicates that this missense variant is expected to disrupt CLCN7 protein function. For these reasons, this variant has been classified as Pathogenic.

Literature cited by the submitters: PubMed 12929941; PubMed 16120485; PubMed 26395888.

NM_001287.6(CLCN7):c.637C>T (p.Leu213Phe)

Gene: CLCN7 (chloride voltage-gated channel 7; minus strand). Cytogenetic location: 16p13.3.
Variant type: single nucleotide variant.
Coding change: c.637C>T on transcript NM_001287.6 (MANE Select); coding-DNA position 637, C replaced by T.
Protein change: p.Leu213Phe; replaces leucine 213 with phenylalanine.
Molecular consequence: missense variant.
Genome position (GRCh38, 1-based): chr16:1,459,145, G>A on the plus strand (C>T on the coding strand, the complement: CLCN7 is on the minus strand). VCF-style: chr16-1459145-G-A. GRCh37 (hg19) VCF-style: chr16-1509146-G-A.
Other names: c.565C>T, p.Leu189Phe (NM_001114331.3); short protein forms L189F, L213F.
Identifiers: ClinVar variation 2736274 (VCV002736274.3), dbSNP rs2505840319, ClinGen allele CA394191932.